The following is an entry in ClinVar:

NM_001367624.2(ZNF469):c.8344C>T (p.His2782Tyr)

Gene: ZNF469 (zinc finger protein 469; plus strand). Cytogenetic location: 16q24.2.
Variant type: single nucleotide variant.
Coding change: c.8344C>T on transcript NM_001367624.2 (MANE Select); coding-DNA position 8344, C replaced by T.
Protein change: p.His2782Tyr; replaces histidine 2782 with tyrosine.
Molecular consequence: missense variant.
Genome position (GRCh38, 1-based): chr16:88,435,814, C>T. VCF-style: chr16-88435814-C-T. GRCh37 (hg19) VCF-style: chr16-88502222-C-T.
Other names: NM_001127464.1:c.8260C>T; p.His2782Tyr; short protein forms H2782Y.
Identifiers: ClinVar variation 320986 (VCV000320986.59), dbSNP rs553227769, ClinGen allele CA8225327.

ClinVar aggregate classification (germline): Conflicting classifications of pathogenicity. Review status: criteria provided, conflicting classifications (1 of 4 stars). 9 submissions from 9 submitters: Uncertain significance (5); Benign (1); Likely benign (1). 2 of the submissions do not count toward it. Last evaluated 2026-01-06.

Conditions:
Brittle cornea syndrome 1 (BCS1). Also called: CORNEAL FRAGILITY, KERATOGLOBUS, BLUE SCLERAE, JOINT HYPEREXTENSIBILITY; EDS6B; DYSGENESIS MESODERMALIS CORNEAE ET SCLERAE; FRAGILITAS OCULI WITH JOINT HYPEREXTENSIBILITY; Corneal fragility keratoglobus, blue sclerae AND joint hypermobility. Identifiers: Orphanet 90354, MedGen C0268344, MONDO:0024543, OMIM 229200.
Cardiovascular phenotype. Identifiers: MedGen CN230736.

Allele frequency attached by ClinVar (database versions not stated): 1000 Genomes Project 0.00020; gnomAD exomes 0.00030 and 0.00043; 1000 Genomes Project 30x 0.00031; ExAC 0.00036; TOPMed 0.00042; gnomAD 0.00049 and 0.00051.
gnomAD v4.1: 661 of 1,550,552 alleles (0.043%); highest among the groups gnomAD compares: Non-Finnish European, 0.055%; no homozygotes.

Submissions (9):

Women's Health and Genetics/Laboratory Corporation of America, LabCorp
Classification: Uncertain significance. Last evaluated: 2026-01-06. Review status: criteria provided, single submitter. Criteria: LabCorp Variant Classification Summary - May 2015. Collection method: clinical testing. Allele origin: germline.
Comment: Variant summary: ZNF469 c.8344C>T (p.His2782Tyr) results in a conservative amino acid change in the encoded protein sequence. Algorithms developed to predict the effect of missense changes on protein structure and function are either unavailable or do not agree on the potential impact of this missense change. The variant allele was found at a frequency of 0.0003 in 153818 control chromosomes (gnomAD). This frequency is not significantly higher than estimated for disease-causing variants in ZNF469, allowing no conclusion about variant significance. c.8344C>T (aka p.H2754Y) has been observed in an individual with neurological disease, where a (likely) pathogenic variant in a different gene could explain this phenotype (Blake_2021), in addition the variant has been also reported in controls (Lucas_2017). These report(s) do not provide unequivocal conclusions about association of the variant with Brittle cornea syndrome 1. To our knowledge, no experimental evidence demonstrating an impact on protein function has been reported. The following publications have been ascertained in the context of this evaluation (PMID: 37575640, 29228253). ClinVar contains an entry for this variant (Variation ID: 320986). Based on the evidence outlined above, the variant was classified as uncertain significance.

Mayo Clinic Laboratories, Mayo Clinic
Classification: Likely benign. Last evaluated: 2025-10-08. Review status: criteria provided, single submitter. Criteria: ACMG Guidelines, 2015. Collection method: clinical testing. Allele origin: germline. Observed: 4 variant alleles.
Comment: BS1, BP4

GeneDx
Classification: Uncertain significance. Last evaluated: 2025-06-10. Review status: criteria provided, single submitter. Criteria: GeneDx Variant Classification Process June 2021. Collection method: clinical testing. Allele origin: germline. Affected: yes.
Comment: Not reported in individuals affected with a ZNF469-related phenotype to our knowledge; In silico analysis suggests that this missense variant does not alter protein structure/function; This variant is associated with the following publications: (PMID: 29228253)

Ambry Genetics
Classification: Benign for Cardiovascular phenotype. Last evaluated: 2023-11-15. Review status: criteria provided, single submitter. Criteria: Ambry Variant Classification Scheme 2023. Collection method: clinical testing. Allele origin: germline.

Labcorp Genetics (formerly Invitae), Labcorp
Classification: Uncertain significance. Last evaluated: 2022-10-25. Review status: criteria provided, single submitter. Criteria: Invitae Variant Classification Sherloc (09022015). Collection method: clinical testing. Allele origin: germline.
Comment: This sequence change replaces histidine, which is basic and polar, with tyrosine, which is neutral and polar, at codon 2754 of the ZNF469 protein (p.His2754Tyr). This variant is present in population databases (rs553227769, gnomAD 0.06%). This variant has not been reported in the literature in individuals affected with ZNF469-related conditions. ClinVar contains an entry for this variant (Variation ID: 320986). Algorithms developed to predict the effect of missense changes on protein structure and function (SIFT, PolyPhen-2, Align-GVGD) all suggest that this variant is likely to be tolerated. In summary, the available evidence is currently insufficient to determine the role of this variant in disease. Therefore, it has been classified as a Variant of Uncertain Significance.

Center for Genomics, Ann and Robert H. Lurie Children's Hospital of Chicago
Classification: Uncertain significance for Brittle cornea syndrome 1. Last evaluated: 2022-04-07. Review status: criteria provided, single submitter. Criteria: ACMG Guidelines, 2015. Collection method: clinical testing. Allele origin: germline.
Comment: This variant has not been reported in the literature but is present in 0.1% (65/68034) of European alleles in the Genome Aggregation Database and in ClinVar (Variation ID:320986). Evolutionary conservation and computational predictive tools suggest that this variant may not impact the protein. In summary, data on this variant is insufficient for disease classification. Therefore, the clinical significance of this variant is uncertain.

CeGaT Center for Human Genetics Tuebingen
Classification: Uncertain significance. Last evaluated: 2021-03-01. Review status: criteria provided, single submitter. Criteria: CeGaT Center For Human Genetics Tuebingen Variant Classification Criteria Version 2. Collection method: clinical testing. Allele origin: germline. Affected: yes. Observed: 2 variant alleles.

Clinical Genetics DNA and cytogenetics Diagnostics Lab, Erasmus MC, Erasmus Medical Center
Classification: Likely benign. Review status: no assertion criteria provided. Collection method: clinical testing. Allele origin: germline. Affected: yes. Study: VKGL Data-share Consensus. Not counted in ClinVar's aggregate classification.

Genome Diagnostics Laboratory, Amsterdam University Medical Center
Classification: Likely benign. Review status: no assertion criteria provided. Collection method: clinical testing. Allele origin: germline. Affected: yes. Study: VKGL Data-share Consensus. Not counted in ClinVar's aggregate classification.

Literature cited by the submitters: PubMed 29228253 (cited by 3 submitters); PubMed 37575640 (cited by Women's Health and Genetics/Laboratory Corporation of America, LabCorp).